The following is an entry in ClinVar:

NM_000593.6(TAP1):c.1981C>T (p.Pro661Ser)

Gene: TAP1 (transporter 1, ATP binding cassette subfamily B member; minus strand). Cytogenetic location: 6p21.32.
Variant type: single nucleotide variant.
Coding change: c.1981C>T on transcript NM_000593.6 (MANE Select); coding-DNA position 1981, C replaced by T.
Protein change: p.Pro661Ser; replaces proline 661 with serine.
Molecular consequence: missense variant.
Genome position (GRCh38, 1-based): chr6:32,847,127, G>A on the plus strand (C>T on the coding strand, the complement: TAP1 is on the minus strand). VCF-style: chr6-32847127-G-A. GRCh37 (hg19) VCF-style: chr6-32814904-G-A.
Other names: c.1378C>T, p.Pro460Ser (NM_001292022.2); short protein forms P460S, P661S.
Identifiers: ClinVar variation 1444739 (VCV001444739.8), dbSNP rs2127386434, ClinGen allele CA363590801.

ClinVar aggregate classification (germline): Uncertain significance (1 of 4 stars; one submission).

Conditions:
MHC class I deficiency. Identifiers: Orphanet 34592, MedGen C6024714, MONDO:0011476.

Submission:

Labcorp Genetics (formerly Invitae), Labcorp
Classification: Uncertain significance for MHC class I deficiency 1. Last evaluated: 2022-05-03. Review status: criteria provided, single submitter. Criteria: Invitae Variant Classification Sherloc (09022015). Collection method: clinical testing. Allele origin: germline.
Comment: This variant has not been reported in the literature in individuals affected with TAP1-related conditions. This variant is not present in population databases (gnomAD no frequency). This sequence change replaces proline, which is neutral and non-polar, with serine, which is neutral and polar, at codon 721 of the TAP1 protein (p.Pro721Ser). In summary, the available evidence is currently insufficient to determine the role of this variant in disease. Therefore, it has been classified as a Variant of Uncertain Significance. Algorithms developed to predict the effect of missense changes on protein structure and function are either unavailable or do not agree on the potential impact of this missense change (SIFT: "Deleterious"; PolyPhen-2: "Probably Damaging"; Align-GVGD: "Class C0").